The following is an entry in ClinVar:

ClinVar aggregate classification (germline): Likely benign (0 of 4 stars; one submission).

Conditions:
PLXNA4-related disorder. Also called: PLXNA4-related condition.

gnomAD v4.1: 31 of 1,473,006 alleles (0.0021%); highest among the groups gnomAD compares: African/African-American, 0.016%; no homozygotes.

Submission:

PreventionGenetics, part of Exact Sciences
Classification: Likely benign for PLXNA4-related condition. Last evaluated: 2022-04-12. Review status: no assertion criteria provided. Collection method: clinical testing. Allele origin: germline.
Comment: This variant is classified as likely benign based on ACMG/AMP sequence variant interpretation guidelines (Richards et al. 2015 PMID: 25741868, with internal and published modifications).

NM_020911.2(PLXNA4):c.2586+8G>A

Gene: PLXNA4 (plexin A4; minus strand). Cytogenetic location: 7q32.3.
Variant type: single nucleotide variant.
Coding change: c.2586+8G>A on transcript NM_020911.2 (MANE Select); 8 bases into the intron after coding-DNA position 2586, G replaced by A.
Molecular consequence: intron variant.
Genome position (GRCh38, 1-based): chr7:132,202,638, C>T on the plus strand (G>A on the coding strand, the complement: PLXNA4 is on the minus strand). VCF-style: chr7-132202638-C-T. GRCh37 (hg19) VCF-style: chr7-131887397-C-T.
Other names: c.2586+8G>A (NM_001393897.1).
Identifiers: ClinVar variation 3357207 (VCV003357207.1).